The following is an entry in ClinVar:

ClinVar aggregate classification (germline): Likely pathogenic (1 of 4 stars; one submission).

Submission:

GeneDx
Classification: Likely pathogenic. Last evaluated: 2023-01-23. Review status: criteria provided, single submitter. Criteria: GeneDx Variant Classification Process June 2021. Collection method: clinical testing. Allele origin: germline. Affected: yes.
Comment: Intronic +5 splice site variant in a gene for which loss of function is a known mechanism of disease, and both splice predictors and evolutionary conservation support a deleterious effect, although in the absence of functional evidence the actual effect of this sequence change is unknown.; Not observed at significant frequency in large population cohorts (gnomAD); Has not been previously published as pathogenic or benign to our knowledge

NM_080680.3(COL11A2):c.4482+5G>C

Gene: COL11A2 (collagen type XI alpha 2 chain; minus strand). Cytogenetic location: 6p21.32.
Variant type: single nucleotide variant.
Coding change: c.4482+5G>C on transcript NM_080680.3 (MANE Select); 5 bases into the intron after coding-DNA position 4482, G replaced by C.
Molecular consequence: intron variant.
Genome position (GRCh38, 1-based): chr6:33,165,926, C>G on the plus strand (G>C on the coding strand, the complement: COL11A2 is on the minus strand). VCF-style: chr6-33165926-C-G. GRCh37 (hg19) VCF-style: chr6-33133703-C-G.
Other names: c.4161+5G>C (NM_080679.3); c.4224+5G>C (NM_080681.3).
Identifiers: ClinVar variation 1712129 (VCV001712129.6), dbSNP rs2534474285, ClinGen allele CA2580074363.
Genomic context (GRCh38, chr6:33,165,926, plus strand): 5'-GTGAAGTGTGGCAGCAGTGGAGCAGAGGGGTACGGCCCTGGGAGCAGCCCTGACTCCTCA[C>G]TCACCGGGTGTCCTGGAGGGCCCTGCACACCCTTCTCTCCCTTGGGTCCGCCTGGGCCCT-3'